The following is an entry in ClinVar:

ClinVar aggregate classification (germline): Uncertain significance (1 of 4 stars; one submission).

gnomAD v4.1: 6 of 1,614,104 alleles (0.00037%); highest among the groups gnomAD compares: Middle Eastern, 0.016%; no homozygotes.

Submission:

Labcorp Genetics (formerly Invitae), Labcorp
Classification: Uncertain significance. Last evaluated: 2021-10-29. Review status: criteria provided, single submitter. Criteria: Invitae Variant Classification Sherloc (09022015). Collection method: clinical testing. Allele origin: germline.
Comment: This sequence change replaces arginine, which is basic and polar, with serine, which is neutral and polar, at codon 7 of the KCNV2 protein (p.Arg7Ser). This variant is present in population databases (rs757360187, gnomAD 0.0009%). This variant has not been reported in the literature in individuals affected with KCNV2-related conditions. Advanced modeling of protein sequence and biophysical properties (such as structural, functional, and spatial information, amino acid conservation, physicochemical variation, residue mobility, and thermodynamic stability) performed at Invitae indicates that this missense variant is not expected to disrupt KCNV2 protein function. In summary, the available evidence is currently insufficient to determine the role of this variant in disease. Therefore, it has been classified as a Variant of Uncertain Significance.

NM_133497.4(KCNV2):c.21G>C (p.Arg7Ser)

Gene: KCNV2 (potassium voltage-gated channel modifier subfamily V member 2; plus strand). Cytogenetic location: 9p24.2.
Variant type: single nucleotide variant.
Coding change: c.21G>C on transcript NM_133497.4 (MANE Select); coding-DNA position 21, G replaced by C.
Protein change: p.Arg7Ser; replaces arginine 7 with serine.
Molecular consequence: missense variant.
Genome position (GRCh38, 1-based): chr9:2,717,760, G>C. VCF-style: chr9-2717760-G-C. GRCh37 (hg19) VCF-style: chr9-2717760-G-C.
Other names: short protein forms R7S.
Identifiers: ClinVar variation 1450157 (VCV001450157.6), dbSNP rs757360187, ClinGen allele CA4965288.
Genomic context (GRCh38, chr9:2,717,760, plus strand): 5'-CAGCCAGGAGGAAAAAGCTAGGCGTCCACTTTCCGCAGCCATGCTCAAACAGAGTGAGAG[G>C]AGACGGTCCTGGAGCTACAGGCCCTGGAACACGACGGAGAATGAGGGCAGCCAACACCGC-3'
Protein context (NP_598004.1, residues 1-17): MLKQSE[Arg7Ser]RRSWSYRPWN